The following is an entry in ClinVar:

ClinVar aggregate classification (germline): Conflicting classifications of pathogenicity. Review status: criteria provided, conflicting classifications (1 of 4 stars). 2 submissions from 2 submitters: Uncertain significance (1); Likely benign (1). Last evaluated 2025-07-15.

Allele frequency attached by ClinVar (database versions not stated): gnomAD 0.00011; TOPMed 0.00012; ExAC 0.00023; ESP Exome Variant Server 0.00023; gnomAD exomes 0.00024.
gnomAD v4.1: 362 of 1,612,212 alleles (0.022%); highest among the groups gnomAD compares: South Asian, 0.054%; no homozygotes.

Submissions (2):

Ambry Genetics
Classification: Uncertain significance. Last evaluated: 2025-07-15. Review status: criteria provided, single submitter. Criteria: Ambry Variant Classification Scheme 2023. Collection method: clinical testing. Allele origin: germline.

CeGaT Center for Human Genetics Tuebingen
Classification: Likely benign. Last evaluated: 2023-06-01. Review status: criteria provided, single submitter. Criteria: CeGaT Center For Human Genetics Tuebingen Variant Classification Criteria Version 2. Collection method: clinical testing. Allele origin: germline. Affected: yes. Observed: 1 variant allele.
Comment: CELSR1: BP4

NM_001378328.1(CELSR1):c.7627A>G (p.Met2543Val)

Gene: CELSR1 (cadherin EGF LAG seven-pass G-type receptor 1; minus strand). Cytogenetic location: 22q13.31.
Variant type: single nucleotide variant.
Coding change: c.7627A>G on transcript NM_001378328.1 (MANE Select); coding-DNA position 7627, A replaced by G.
Protein change: p.Met2543Val; replaces methionine 2543 with valine.
Molecular consequence: missense variant.
Genome position (GRCh38, 1-based): chr22:46,373,015, T>C on the plus strand (A>G on the coding strand, the complement: CELSR1 is on the minus strand). VCF-style: chr22-46373015-T-C. GRCh37 (hg19) VCF-style: chr22-46768912-T-C.
Other names: c.7627A>G, p.Met2543Val (NM_014246.4); c.7627A>G (NM_014246.1); short protein forms M2543V.
Identifiers: ClinVar variation 2571163 (VCV002571163.28), dbSNP rs148451995, ClinGen allele CA10293287.
Genomic context (GRCh38, chr22:46,373,015, plus strand): 5'-CCTCGGTCAGCATGCGGTAGACATGCAGGCTCTCCACGAGGGTCCAGGCAAAGGTGCTCA[T>C]GTAGATGTAGTGGAGGAGGATGGCAACCACTGTGCACAGAAACTGCGCAGGGAGGGGCCG-3'
Protein context (NP_001365257.1, residues 2533-2553): VVAILLHYIY[Met2543Val]STFAWTLVES